The following is an entry in ClinVar:

NM_000059.4(BRCA2):c.6739A>G (p.Ser2247Gly)

Gene: BRCA2 (BRCA2 DNA repair associated; plus strand). Cytogenetic location: 13q13.1.
Variant type: single nucleotide variant.
Coding change: c.6739A>G on transcript NM_000059.4 (MANE Select); coding-DNA position 6739, A replaced by G.
Protein change: p.Ser2247Gly; replaces serine 2247 with glycine.
Molecular consequence: missense variant.
Genome position (GRCh38, 1-based): chr13:32,341,094, A>G. VCF-style: chr13-32341094-A-G. GRCh37 (hg19) VCF-style: chr13-32915231-A-G.
Other names: p.S2247G:AGT>GGT; 6967A>G; short protein forms S2247G.
Identifiers: ClinVar variation 38063 (VCV000038063.42), dbSNP rs80358896, ClinGen allele CA024359.
Genomic context (GRCh38, chr13:32,341,094, plus strand): 5'-GCAGTAGAAATTGCTAAAGCTTTTATGGAAGATGATGAACTGACAGATTCTAAACTGCCA[A>G]GTCATGCCACACATTCTCTTTTTACATGTCCCGAAAATGAGGAAATGGTTTTGTCAAATT-3'
Protein context (NP_000050.3, residues 2237-2257): DDELTDSKLP[Ser2247Gly]HATHSLFTCP

ClinVar aggregate classification (germline): Conflicting classifications of pathogenicity. Review status: criteria provided, conflicting classifications (1 of 4 stars). 16 submissions from 16 submitters: Uncertain significance (2); Benign (1); Likely benign (9). 4 of the submissions do not count toward it. Last evaluated 2026-01-21.

Conditions:
BRCA2-related cancer predisposition. Identifiers: MedGen CN377758, MONDO:0700269.
Hereditary cancer-predisposing syndrome. Also called: Tumor predisposition; Hereditary neoplastic syndrome; Neoplastic Syndromes, Hereditary; Hereditary Cancer Syndrome. Identifiers: Orphanet 140162, MedGen C0027672, MeSH D009386, MONDO:0015356.
Hereditary breast ovarian cancer syndrome. Also called: BRCA1- and BRCA2-Associated Hereditary Breast and Ovarian Cancer; Hereditary breast and ovarian cancer syndrome; Hereditary breast and ovarian cancer; Hereditary breast and ovarian cancer syndrome (HBOC); Breast and ovarian cancer; Hereditary breast and/or ovarian cancer syndrome. Identifiers: Orphanet 145, MedGen C0677776, MeSH D061325, MONDO:0003582. Disease mechanism: loss of function.
Breast-ovarian cancer, familial, susceptibility to, 2 (BROVCA2). Also called: BRCA2 Hereditary Breast and Ovarian Cancer. Identifiers: Orphanet 145, MedGen C2675520, MONDO:0012933, OMIM 612555. Disease mechanism: loss of function.
Familial cancer of breast. Also called: Hereditary breast cancer; hereditary breast carcinoma; BREAST CANCER, FAMILIAL. Identifiers: Orphanet 227535, MedGen C0346153, MONDO:0016419, OMIM 114480. Disease mechanism: loss of function.

Allele frequency attached by ClinVar (database versions not stated): ExAC 0.00002; gnomAD 0.00003 and 0.00004; gnomAD exomes 0.00006 and 0.00003; ESP Exome Variant Server 0.00008; TOPMed 0.00003.
gnomAD v4.1: 89 of 1,613,886 alleles (0.0055%); highest among the groups gnomAD compares: Non-Finnish European, 0.0073%; no homozygotes.

Submissions (16):

Labcorp Genetics (formerly Invitae), Labcorp
Classification: Likely benign for Hereditary breast ovarian cancer syndrome. Last evaluated: 2026-01-21. Review status: criteria provided, single submitter. Criteria: Invitae Variant Classification Sherloc (09022015). Collection method: clinical testing. Allele origin: germline.

Women's Health and Genetics/Laboratory Corporation of America, LabCorp
Classification: Likely benign. Last evaluated: 2025-04-29. Review status: criteria provided, single submitter. Criteria: LabCorp Variant Classification Summary - May 2015. Collection method: clinical testing. Allele origin: germline.
Comment: Variant summary: BRCA2 c.6739A>G (p.Ser2247Gly) results in a non-conservative amino acid change in the encoded protein sequence. Four of five in-silico tools predict a benign effect of the variant on protein function. The variant allele was found at a frequency of 2.8e-05 in 251430 control chromosomes. The available data on variant occurrences in the general population are insufficient to allow any conclusion about variant significance. c.6739A>G has been reported in the literature in individuals affected with Breast and/or Ovarian Cancer without evidence for causality (e.g., Mavarki_1997, Haffty_2006, Haffty_2009, Lu_2012, Caux-Montcoutier_2009). These reports do not provide unequivocal conclusions about association of the variant with Hereditary Breast And Ovarian Cancer Syndrome. At-least three co-occurrences with other pathogenic variants have been reported in the BIC database as well as at our laboratory (BRCA1 c.3700_3704delGTAAA, p.Val1234GlnfsX8; BRCA1 c.4524G>A, p.Trp1508*; BRCA1 c.5096G>A, p.Arg1699Gln), providing supporting evidence for a benign role. At least one publication reports experimental evidence evaluating an impact on protein function, however, does not allow convincing conclusions about the variant effect (e.g. Caux-Moncoutier_2009). The following publications have been ascertained in the context of this evaluation (PMID: 15983021, 19471317, 22476429, 19491284, 9400938, 31464824). ClinVar contains an entry for this variant (Variation ID: 38063). Based on the evidence outlined above, the variant was classified as likely benign.

Quest Diagnostics Nichols Institute San Juan Capistrano
Classification: Uncertain significance. Last evaluated: 2025-04-07. Review status: criteria provided, single submitter. Criteria: Quest Diagnostics criteria. Collection method: clinical testing. Allele origin: unknown.
Comment: The BRCA2 c.6739A>G (p.Ser2247Gly) variant has been reported in individuals and families affected with breast cancer (PMIDs: 9400938 (1997), 15983021 (2006), 19471317 (2009), 22476429 (2012)) and uveal melanoma (PMID: 31464824 (2019)). This variant has also been reported in individuals with breast cancer and reportedly unaffected individuals in a large-scale breast cancer association study (PMID: 33471991 (2021), see also LOVD). The frequency of this variant in the general population (Genome Aggregation Database) is uninformative in the assessment of its pathogenicity. Analysis of this variant using bioinformatics tools (i.e., MutationTaster and PolyPhen-2) for the prediction of the effect of amino acid changes on protein structure and function yielded predictions that this variant is benign. Based on the available information, we are unable to determine the clinical significance of this variant.

German Consortium for Hereditary Breast and Ovarian Cancer, University Hospital Cologne
Classification: Likely benign for Hereditary breast ovarian cancer syndrome. Last evaluated: 2024-12-10. Review status: criteria provided, single submitter. Criteria: ClinGen BRCA2 V1.1.0. Collection method: curation. Allele origin: germline.
Comment: According to the ClinGen ENIGMA BRCA2 v1.1.0 criteria we chose these criteria: BP1 (strong benign): missense outside a (potentially) clinically important functional domain AND no splicing predicted (SpliceAI ≤0.1), BS1 (supporting benign): FAF gAD v2 non-cancer: 0.00003128

MGZ Medical Genetics Center
Classification: Likely benign for Familial cancer of breast. Last evaluated: 2024-02-09. Review status: criteria provided, single submitter. Criteria: CSpec BRCA1/2ACMG Rules Specifications V1.1.0. Collection method: clinical testing. Allele origin: germline. Affected: yes.
Comment: ACMG codes applied following ENIGMA VCEP rules: BP1_STR, BS1_SUP

Blueprint Genetics
Classification: Likely benign. Last evaluated: 2023-08-10. Review status: criteria provided, single submitter. Criteria: ACMG Guidelines, 2015. Collection method: clinical testing. Allele origin: germline.

University of Washington Department of Laboratory Medicine, University of Washington
Classification: Likely benign for Hereditary cancer-predisposing syndrome. Last evaluated: 2023-03-23. Review status: criteria provided, single submitter. Criteria: Dines et al. (Genet Med. 2020). Collection method: curation. Allele origin: germline.
Comment: Missense variant in a coldspot region where missense variants are very unlikely to be pathogenic (PMID:31911673).

BRCA2 exon 11 coldspot. Reclassification based on statistical prior probability.

Sema4
Classification: Likely benign for Hereditary cancer-predisposing syndrome. Last evaluated: 2021-09-25. Review status: criteria provided, single submitter. Criteria: Sema4 Curation Guidelines. Collection method: curation. Allele origin: germline.

ARUP Laboratories, Molecular Genetics and Genomics, ARUP Laboratories
Classification: Uncertain significance. Last evaluated: 2020-10-05. Review status: criteria provided, single submitter. Criteria: ARUP Molecular Germline Variant Investigation Process 2021. Collection method: clinical testing. Allele origin: germline.
Comment: The BRCA2 c.6739A>G; p.Ser2247Gly variant (rs80358896) is reported in the literature in multiple individuals affected with breast cancer, but often without specific phenotype information or with other unclassified variants in BRCA2 (Caux-Moncoutier 2009, Haffty 2006, Mavraki 1997). This variant is reported in ClinVar (Variation ID: 38063), and is found in the non-Finnish European population with an allele frequency of 0.0062% (8/129102 alleles) in the Genome Aggregation Database. The serine at codon 2247 is weakly conserved, but computational analyses are uncertain whether this variant is neutral or deleterious (REVEL: 0.324). Given the lack of clinical and functional data, the significance of the p.Ser2247Gly variant is uncertain at this time. References: Caux-Moncoutier V et al. Impact of BRCA1 and BRCA2 variants on splicing: clues from an allelic imbalance study. Eur J Hum Genet. 2009 Nov;17(11):1471-80. Haffty BG et al. Racial differences in the incidence of BRCA1 and BRCA2 mutations in a cohort of early onset breast cancer patients: African American compared to white women. J Med Genet. 2006 Feb;43(2):133-7. Mavraki E et al. Germline BRCA2 mutations in men with breast cancer. Br J Cancer. 1997;76(11):1428-31.

GeneDx
Classification: Likely benign. Last evaluated: 2020-05-08. Review status: criteria provided, single submitter. Criteria: GeneDx Variant Classification Process June 2021. Collection method: clinical testing. Allele origin: germline. Affected: yes.
Comment: This variant is associated with the following publications: (PMID: 15983021, 25348012, 19491284, 19471317, 22476429, 24817641, 9400938)

Ambry Genetics
Classification: Likely benign for Hereditary cancer-predisposing syndrome. Last evaluated: 2019-02-09. Review status: criteria provided, single submitter. Criteria: Ambry Variant Classification Scheme 2023. Collection method: clinical testing. Allele origin: germline.

Color Diagnostics, LLC DBA Color Health
Classification: Benign for Hereditary cancer-predisposing syndrome. Last evaluated: 2016-05-02. Review status: criteria provided, single submitter. Criteria: ACMG Guidelines, 2015. Collection method: clinical testing. Allele origin: germline.

Mayo Clinic Laboratories, Mayo Clinic
Classification: Likely benign. Last evaluated: 2017-02-17. Review status: no assertion criteria provided. Collection method: clinical testing. Allele origin: unknown. Not counted in ClinVar's aggregate classification.

Counsyl
Classification: Uncertain significance for Breast-ovarian cancer, familial, susceptibility to, 2. Last evaluated: 2016-05-20. Review status: no assertion criteria provided. Collection method: clinical testing. Allele origin: unknown. Not counted in ClinVar's aggregate classification.

Sharing Clinical Reports Project (SCRP)
Classification: Likely benign for Breast-ovarian cancer, familial 2. Last evaluated: 2011-02-25. Review status: no assertion criteria provided. Collection method: clinical testing. Allele origin: germline. Not counted in ClinVar's aggregate classification.

Breast Cancer Information Core (BIC) (BRCA2)
Classification: Uncertain significance for Breast-ovarian cancer, familial 2. Last evaluated: 2002-05-29. Review status: no assertion criteria provided. Collection method: clinical testing. Allele origin: germline. Affected: yes. Observed: 4 variant alleles. Not counted in ClinVar's aggregate classification.

Literature cited by the submitters: PubMed 15983021 (cited by 3 submitters); PubMed 19471317 (cited by 4 submitters); PubMed 22476429 (cited by 4 submitters); PubMed 19491284 (cited by 5 submitters); PubMed 9400938 (cited by 3 submitters); PubMed 31464824 (cited by Women's Health and Genetics/Laboratory Corporation of America, LabCorp and Quest Diagnostics Nichols Institute San Juan Capistrano); PubMed 31911673 (cited by Quest Diagnostics Nichols Institute San Juan Capistrano); PubMed 33471991 (cited by Quest Diagnostics Nichols Institute San Juan Capistrano); PubMed 31131967 (cited by Quest Diagnostics Nichols Institute San Juan Capistrano); PubMed 28726806 (cited by Quest Diagnostics Nichols Institute San Juan Capistrano); PubMed 30122538 (cited by Quest Diagnostics Nichols Institute San Juan Capistrano); PubMed 31484976 (cited by Quest Diagnostics Nichols Institute San Juan Capistrano); PubMed 25348012 (cited by Quest Diagnostics Nichols Institute San Juan Capistrano and Counsyl); PubMed 24817641 (cited by Counsyl).